The following is an entry in ClinVar:

NM_012123.4(MTO1):c.1260+186_1260+188del

Gene: MTO1 (mitochondrial tRNA translation optimization 1; plus strand). Cytogenetic location: 6q13.
Variant type: Deletion.
Coding change: c.1260+186_1260+188del on transcript NM_012123.4 (MANE Select); bases 186 to 188 of the intron after coding-DNA position 1260, 3 bases deleted (TTT; older notation c.1260+186_1260+188delTTT).
Molecular consequence: intron variant.
Genome position (GRCh38, 1-based): chr6:73,480,991-73,480,993, TTT deleted; deleting any 3 consecutive bases within chr6:73,480,970-73,480,993 gives the same sequence; the c. name uses the placement nearest the transcript's 3' end. VCF-style (leftmost placement, unchanged base first): chr6-73480969-GTTT-G. GRCh37 (hg19) VCF-style: chr6-74190692-GTTT-G.
Other names: c.1335+186_1335+188del (NM_133645.3); c.1261-6_1261-4del (NM_001123226.2); c.1261-6_1261-4delTTT (NM_001123226.1).
Identifiers: ClinVar variation 1223365 (VCV001223365.5), dbSNP rs398001972, ClinGen allele CA3889582.
Genomic context (GRCh38, chr6:73,480,969, plus strand): 5'-TACTAATAGAAGACAATTTATGTTTCAGGGTGTTTGGAGATGGCTTTTGTAGATAATAGG[GTTT>G]TTTTTTTTTTTTTTTTTTTTTGAGACAGAGTGTTGCTCTGTTGCCAGGCTGGAGTGCAGT-3'

ClinVar aggregate classification (germline): Benign. Review status: criteria provided, single submitter (1 of 4 stars). 2 submissions from 2 submitters: Benign (1). 1 of the submissions does not count toward it. Last evaluated 2019-08-26.

Conditions:
MTO1-related disorder. Also called: MTO1-related condition.

Submissions (2):

GeneDx
Classification: Benign. Last evaluated: 2019-08-26. Review status: criteria provided, single submitter. Criteria: GeneDx Variant Classification Process June 2021. Collection method: clinical testing. Allele origin: germline. Affected: yes.

PreventionGenetics, part of Exact Sciences
Classification: Benign for MTO1-related condition. Last evaluated: 2019-09-20. Review status: no assertion criteria provided. Collection method: clinical testing. Allele origin: germline. Not counted in ClinVar's aggregate classification.
Comment: This variant is classified as benign based on ACMG/AMP sequence variant interpretation guidelines (Richards et al. 2015 PMID: 25741868, with internal and published modifications).